The following is an entry in ClinVar:

NM_001308120.2(TOGARAM1):c.393A>C (p.Arg131=)

Gene: TOGARAM1 (TOG array regulator of axonemal microtubules 1; plus strand). Cytogenetic location: 14q21.2.
Variant type: single nucleotide variant.
Coding change: c.393A>C on transcript NM_001308120.2 (MANE Select); coding-DNA position 393, A replaced by C.
Protein change: p.Arg131=; no amino-acid change (arginine 131 retained).
Molecular consequence: synonymous variant. On other transcripts: non-coding transcript variant (1).
Genome position (GRCh38, 1-based): chr14:44,962,814, A>C. VCF-style: chr14-44962814-A-C. GRCh37 (hg19) VCF-style: chr14-45432017-A-C.
Other names: c.393A>C, p.Arg131= (NM_015091.4).
Identifiers: ClinVar variation 4872324 (VCV004872324.2).

ClinVar aggregate classification (germline): Likely benign (1 of 4 stars; one submission).

Submission:

CeGaT Center for Human Genetics Tuebingen
Classification: Likely benign. Last evaluated: 2026-05-01. Review status: criteria provided, single submitter. Criteria: CeGaT Center For Human Genetics Tuebingen Variant Classification Criteria Version 2. Collection method: clinical testing. Allele origin: germline. Affected: yes. Observed: 1 variant allele.
Comment: TOGARAM1: PM2:Supporting, BP4, BP7